The following is an entry in ClinVar:

NM_020975.6(RET):c.204G>T (p.Leu68=)

Gene: RET (ret proto-oncogene; plus strand). Cytogenetic location: 10q11.21.
Variant type: single nucleotide variant.
Coding change: c.204G>T on transcript NM_020975.6 (MANE Select); coding-DNA position 204, G replaced by T.
Protein change: p.Leu68=; no amino-acid change (leucine 68 retained).
Molecular consequence: synonymous variant. On other transcripts: intron variant (4).
Genome position (GRCh38, 1-based): chr10:43,100,589, G>T. VCF-style: chr10-43100589-G-T. GRCh37 (hg19) VCF-style: chr10-43596037-G-T.
Other names: c.204G>T, p.Leu68= (NM_000323.2, NM_001406743.1, NM_001406744.1 and 34 more transcripts); c.74-8442G>T (NM_001406784.1); c.74-11510G>T (NM_001406794.1, NM_001406792.1, NM_001406793.1).
Identifiers: ClinVar variation 477338 (VCV000477338.19), dbSNP rs148874112, ClinGen allele CA037054.

ClinVar aggregate classification (germline): Likely benign. Review status: criteria provided, multiple submitters, no conflicts (2 of 4 stars). 5 submissions from 5 submitters: Likely benign (5). Last evaluated 2025-12-15.

Conditions:
Multiple endocrine neoplasia, type 2 (MEN2). Identifiers: Orphanet 653, MedGen C4048306, MONDO:0019003. Disease mechanism: gain of function.
Hereditary cancer-predisposing syndrome. Also called: Neoplastic Syndromes, Hereditary; Hereditary Cancer Syndrome; Hereditary neoplastic syndrome; Tumor predisposition. Identifiers: Orphanet 140162, MedGen C0027672, MeSH D009386, MONDO:0015356.

Allele frequency attached by ClinVar (database versions not stated): gnomAD 0.00007; TOPMed 0.00010; ESP Exome Variant Server 0.00023.
gnomAD v4.1: 16 of 1,613,810 alleles (0.00099%); highest among the groups gnomAD compares: African/African-American, 0.019%; no homozygotes.

Submissions (5):

Labcorp Genetics (formerly Invitae), Labcorp
Classification: Likely benign for Multiple endocrine neoplasia, type 2. Last evaluated: 2025-12-15. Review status: criteria provided, single submitter. Criteria: Invitae Variant Classification Sherloc (09022015). Collection method: clinical testing. Allele origin: germline.

ARUP Laboratories, Molecular Genetics and Genomics, ARUP Laboratories
Classification: Likely benign. Last evaluated: 2025-05-06. Review status: criteria provided, single submitter. Criteria: ARUP Molecular Germline Variant Investigation Process 2024. Collection method: clinical testing. Allele origin: germline.

Color Diagnostics, LLC DBA Color Health
Classification: Likely benign for Multiple endocrine neoplasia, type 2. Last evaluated: 2024-01-30. Review status: criteria provided, single submitter. Criteria: ACMG Guidelines, 2015. Collection method: clinical testing. Allele origin: germline.

Ambry Genetics
Classification: Likely benign for Hereditary cancer-predisposing syndrome. Last evaluated: 2019-04-09. Review status: criteria provided, single submitter. Criteria: Ambry Variant Classification Scheme 2023. Collection method: clinical testing. Allele origin: germline.

GeneDx
Classification: Likely benign. Last evaluated: 2018-05-17. Review status: criteria provided, single submitter. Criteria: GeneDx Variant Classification (06012015). Collection method: clinical testing. Allele origin: germline. Affected: yes.
Comment: This variant is considered likely benign or benign based on one or more of the following criteria: it is a conservative change, it occurs at a poorly conserved position in the protein, it is predicted to be benign by multiple in silico algorithms, and/or has population frequency not consistent with disease.